The following is an entry in ClinVar:

NM_000439.5(PCSK1):c.1124C>G (p.Thr375Arg)

Genes: CAST (calpastatin; plus strand), PCSK1 (proprotein convertase subtilisin/kexin type 1; minus strand), LOC101929710 (uncharacterized LOC101929710; plus strand). Cytogenetic location: 5q15.
Variant type: single nucleotide variant.
Coding change: c.1124C>G on transcript NM_000439.5 (MANE Select); coding-DNA position 1124, C replaced by G.
Protein change: p.Thr375Arg; replaces threonine 375 with arginine.
Molecular consequence: missense variant.
Genome position (GRCh38, 1-based): chr5:96,408,295, G>C on the plus strand (C>G on the coding strand, the complement: PCSK1 is on the minus strand). VCF-style: chr5-96408295-G-C. GRCh37 (hg19) VCF-style: chr5-95743999-G-C.
Other names: c.983C>G, p.Thr328Arg (NM_001177875.2); short protein forms T375R, T328R.
Identifiers: ClinVar variation 2546902 (VCV002546902.3), dbSNP rs766414747, ClinGen allele CA360481112.

ClinVar aggregate classification (germline): Conflicting classifications of pathogenicity. Review status: criteria provided, conflicting classifications (1 of 4 stars). 2 submissions from 2 submitters: Likely pathogenic (1); Uncertain significance (1). Last evaluated 2026-04-14.

Conditions:
Inborn genetic diseases. Identifiers: MedGen C0950123, MeSH D030342.
PCSK1-related disorder. Also called: PCSK1-related condition.

Submissions (2):

PreventionGenetics, part of Exact Sciences
Classification: Likely pathogenic for PCSK1-related condition. Last evaluated: 2026-04-14. Review status: criteria provided, single submitter. Criteria: ACMG Guidelines, 2015. Collection method: clinical testing. Allele origin: germline.
Comment: The PCSK1 c.1124C>G variant is predicted to result in the amino acid substitution p.Thr375Arg. This variant have been observed in a cohort of individuals with obesity, and in vitro functional studies showed strong evidence of loss of function (Supplemental Data Set, Shah et al. 2023. PubMed ID: 36864747). This variant is absent in a large population database (gnomAD), indicating it is rare. This variant is interpreted as likely pathogenic.

Ambry Genetics
Classification: Uncertain significance for Inborn genetic diseases. Last evaluated: 2023-05-17. Review status: criteria provided, single submitter. Criteria: Ambry Variant Classification Scheme 2023. Collection method: clinical testing. Allele origin: germline.